The following is an entry in ClinVar:

ClinVar aggregate classification (germline): Uncertain significance (1 of 4 stars; one submission).

Submission:

Labcorp Genetics (formerly Invitae), Labcorp
Classification: Uncertain significance. Last evaluated: 2022-09-27. Review status: criteria provided, single submitter. Criteria: Invitae Variant Classification Sherloc (09022015). Collection method: clinical testing. Allele origin: germline.
Comment: This sequence change replaces glutamine, which is neutral and polar, with arginine, which is basic and polar, at codon 1216 of the FAT4 protein (p.Gln1216Arg). This variant is not present in population databases (gnomAD no frequency). This variant has not been reported in the literature in individuals affected with FAT4-related conditions. In summary, the available evidence is currently insufficient to determine the role of this variant in disease. Therefore, it has been classified as a Variant of Uncertain Significance. Algorithms developed to predict the effect of missense changes on protein structure and function (SIFT, PolyPhen-2, Align-GVGD) all suggest that this variant is likely to be disruptive.

NM_001291303.3(FAT4):c.3647A>G (p.Gln1216Arg)

Gene: FAT4 (FAT atypical cadherin 4; plus strand). Cytogenetic location: 4q28.1.
Variant type: single nucleotide variant.
Coding change: c.3647A>G on transcript NM_001291303.3 (MANE Select); coding-DNA position 3647, A replaced by G.
Protein change: p.Gln1216Arg; replaces glutamine 1216 with arginine.
Molecular consequence: missense variant.
Genome position (GRCh38, 1-based): chr4:125,320,058, A>G. VCF-style: chr4-125320058-A-G. GRCh37 (hg19) VCF-style: chr4-126241213-A-G.
Other names: c.3647A>G, p.Gln1216Arg (NM_001291285.3, NM_024582.6); short protein forms Q1216R.
Identifiers: ClinVar variation 2061441 (VCV002061441.4), dbSNP rs1345047085, ClinGen allele CA358124445.
Genomic context (GRCh38, chr4:125,320,058, plus strand): 5'-TACATGTTTACATGAAGGATATAAATGATAATGCTCCCAAATTTTTAAAAGACTTTTACC[A>G]AGCTACAATATCAGAATCAGCAGCCAATCTGACACAAGTGTTAAGAGTATCTGCCTCAGA-3'
Protein context (NP_001278232.1, residues 1206-1226): NAPKFLKDFY[Gln1216Arg]ATISESAANL